The following is an entry in ClinVar:

ClinVar aggregate classification (germline): Uncertain significance (1 of 4 stars; one submission).

Conditions:
Epilepsy, childhood absence, susceptibility to, 6. Identifiers: Orphanet 64280, MedGen C2749872, MONDO:0012763, OMIM 611942.

Submission:

Diagnostics Services (NGS), CSIR - Centre For Cellular And Molecular Biology
Classification: Uncertain significance for Epilepsy, childhood absence, susceptibility to, 6. Last evaluated: 2025-12-19. Review status: criteria provided, single submitter. Criteria: ACMG Guidelines, 2015. Collection method: clinical testing. Allele origin: germline. Observed: 1 variant allele, 1 heterozygote.
Comment: The c.4730G>T variant is not present in 1000 Genomes, EVS, gnomAD, Indian Exome Database or our internal database. This variant has neither been published in the literature for CACNA1H-related conditions nor reported to the HGMD, OMIM, or ClinVar databases, in any affected individuals. In-silico pathogenicity prediction programs like Polyphen-2, MutationTaster2021, CADD, etc. predicted this variant to be likely deleterious, however these predictions were not confirmed by published functional studies.

NM_021098.3(CACNA1H):c.4730G>T (p.Arg1577Leu)

Gene: CACNA1H (calcium voltage-gated channel subunit alpha1 H; plus strand). Cytogenetic location: 16p13.3.
Variant type: single nucleotide variant.
Coding change: c.4730G>T on transcript NM_021098.3 (MANE Select); coding-DNA position 4730, G replaced by T.
Protein change: p.Arg1577Leu; replaces arginine 1577 with leucine.
Molecular consequence: missense variant.
Genome position (GRCh38, 1-based): chr16:1,212,109, G>T. VCF-style: chr16-1212109-G-T. GRCh37 (hg19) VCF-style: chr16-1262109-G-T.
Other names: c.4730G>T, p.Arg1577Leu (NM_001005407.2); short protein forms R1577L.
Identifiers: ClinVar variation 4849674 (VCV004849674.1).